The following is an entry in ClinVar:

NM_133372.3(FNIP1):c.163A>G (p.Arg55Gly)

Gene: FNIP1 (folliculin interacting protein 1; minus strand). Cytogenetic location: 5q31.1.
Variant type: single nucleotide variant.
Coding change: c.163A>G on transcript NM_133372.3 (MANE Select); coding-DNA position 163, A replaced by G.
Protein change: p.Arg55Gly; replaces arginine 55 with glycine.
Molecular consequence: missense variant.
Genome position (GRCh38, 1-based): chr5:131,744,620, T>C on the plus strand (A>G on the coding strand, the complement: FNIP1 is on the minus strand). VCF-style: chr5-131744620-T-C. GRCh37 (hg19) VCF-style: chr5-131080313-T-C.
Other names: c.163A>G, p.Arg55Gly (NM_001008738.3, NM_001346113.2, NM_001346114.2); short protein forms R55G.
Identifiers: ClinVar variation 4728814 (VCV004728814.1).

ClinVar aggregate classification (germline): Uncertain significance (1 of 4 stars; one submission).

Submission:

Labcorp Genetics (formerly Invitae), Labcorp
Classification: Uncertain significance. Last evaluated: 2025-10-09. Review status: criteria provided, single submitter. Criteria: Invitae Variant Classification Sherloc (09022015). Collection method: clinical testing. Allele origin: germline.
Comment: This sequence change replaces arginine, which is basic and polar, with glycine, which is neutral and non-polar, at codon 55 of the FNIP1 protein (p.Arg55Gly). This variant is not present in population databases (gnomAD no frequency). This variant has not been reported in the literature in individuals affected with FNIP1-related conditions. An algorithm developed to predict the effect of missense changes on protein structure and function (PolyPhen-2) suggests that this variant is likely to be disruptive. In summary, the available evidence is currently insufficient to determine the role of this variant in disease. Therefore, it has been classified as a Variant of Uncertain Significance.